The following is an entry in ClinVar:

ClinVar aggregate classification (germline): Pathogenic (1 of 4 stars; one submission).

Conditions:
Telangiectasia, hereditary hemorrhagic, type 2 (HHT2). Also called: ACVRL1-Related Hereditary Hemorrhagic Telangiectasia; Telangiectasia, hereditary hemorrhagic, type II. Identifiers: Orphanet 774, MedGen C1838163, MONDO:0010880, OMIM 600376. Disease mechanism: loss of function.

Submission:

Labcorp Genetics (formerly Invitae), Labcorp
Classification: Pathogenic for Telangiectasia, hereditary hemorrhagic, type 2. Last evaluated: 2025-12-23. Review status: criteria provided, single submitter. Criteria: Invitae Variant Classification Sherloc (09022015). Collection method: clinical testing. Allele origin: germline.
Comment: This sequence change replaces alanine, which is neutral and non-polar, with aspartic acid, which is acidic and polar, at codon 327 of the ACVRL1 protein (p.Ala327Asp). This variant is not present in population databases (gnomAD no frequency). This missense change has been observed in individual(s) with autosomal dominant hereditary hemorrhagic telangiectasia (internal data). ClinVar contains an entry for this variant (Variation ID: 1438780). Invitae Evidence Modeling of protein sequence and biophysical properties (such as structural, functional, and spatial information, amino acid conservation, physicochemical variation, residue mobility, and thermodynamic stability) indicates that this missense variant is expected to disrupt ACVRL1 protein function with a positive predictive value of 95%. This variant disrupts the p.Ala327 amino acid residue in ACVRL1. Other variant(s) that disrupt this residue have been determined to be pathogenic (internal data). This suggests that this residue is clinically significant, and that variants that disrupt this residue are likely to be disease-causing. For these reasons, this variant has been classified as Pathogenic.

NM_000020.3(ACVRL1):c.980C>A (p.Ala327Asp)

Gene: ACVRL1 (activin A receptor like type 1; plus strand). Cytogenetic location: 12q13.13.
Variant type: single nucleotide variant.
Coding change: c.980C>A on transcript NM_000020.3 (MANE Select); coding-DNA position 980, C replaced by A.
Protein change: p.Ala327Asp; replaces alanine 327 with aspartic acid.
Molecular consequence: missense variant.
Genome position (GRCh38, 1-based): chr12:51,915,432, C>A. VCF-style: chr12-51915432-C-A. GRCh37 (hg19) VCF-style: chr12-52309216-C-A.
Other names: c.980C>A, p.Ala327Asp (NM_001077401.2); short protein forms A327D.
Identifiers: ClinVar variation 1438780 (VCV001438780.8), dbSNP rs769850351, ClinGen allele CA384901418.